The following is an entry in ClinVar:

NM_015450.3(POT1):c.1388T>C (p.Ile463Thr)

Gene: POT1 (protection of telomeres 1; minus strand). Cytogenetic location: 7q31.33.
Variant type: single nucleotide variant.
Coding change: c.1388T>C on transcript NM_015450.3 (MANE Select); coding-DNA position 1388, T replaced by C.
Protein change: p.Ile463Thr; replaces isoleucine 463 with threonine.
Molecular consequence: missense variant. On other transcripts: non-coding transcript variant (3).
Genome position (GRCh38, 1-based): chr7:124,835,396, A>G on the plus strand (T>C on the coding strand, the complement: POT1 is on the minus strand). VCF-style: chr7-124835396-A-G. GRCh37 (hg19) VCF-style: chr7-124475450-A-G.
Other names: c.995T>C, p.Ile332Thr (NM_001042594.2); short protein forms I332T, I463T.
Identifiers: ClinVar variation 4862407 (VCV004862407.1).
Genomic context (GRCh38, chr7:124,835,396, plus strand): 5'-AGGTCTTCGTGGCCAGATCTCACAGGAATTACACTATTAAACTTGTTCGAGAGTTTGCAA[A>G]TTTCACTGAGTGTACCTCCTGTTAAGAGAATAAATAAATCCTTCAAGTAGTGCAAATAAA-3'
Protein context (NP_056265.2, residues 453-473): LLIEGGTLSE[Ile463Thr]CKLSNKFNSV

ClinVar aggregate classification (germline): Uncertain significance (1 of 4 stars; one submission).

Conditions:
Hereditary cancer-predisposing syndrome. Also called: Neoplastic Syndromes, Hereditary; Tumor predisposition; Hereditary Cancer Syndrome; Hereditary neoplastic syndrome. Identifiers: Orphanet 140162, MedGen C0027672, MeSH D009386, MONDO:0015356.

gnomAD v4.1: 1 of 1,612,756 alleles (0.000062%); highest among the groups gnomAD compares: Non-Finnish European, 0.000085%; no homozygotes.

Submission:

Ambry Genetics
Classification: Uncertain significance for Hereditary cancer-predisposing syndrome. Last evaluated: 2026-05-28. Review status: criteria provided, single submitter. Criteria: Ambry Variant Classification Scheme 2023. Collection method: clinical testing. Allele origin: germline.
Comment: The p.I463T variant (also known as c.1388T>C), located in coding exon 11 of the POT1 gene, results from a T to C substitution at nucleotide position 1388. The isoleucine at codon 463 is replaced by threonine, an amino acid with similar properties. This amino acid position is conserved. In addition, this alteration is predicted to be tolerated by in silico analysis. Based on the available evidence, the clinical significance of this variant remains unclear.